The following is an entry in ClinVar:

NM_000051.4(ATM):c.1369C>T (p.Arg457Ter)

Gene: ATM (ATM serine/threonine kinase; plus strand). Cytogenetic location: 11q22.3.
Variant type: single nucleotide variant.
Coding change: c.1369C>T on transcript NM_000051.4 (MANE Select); coding-DNA position 1369, C replaced by T.
Protein change: p.Arg457Ter; replaces arginine 457 with a stop codon.
Molecular consequence: nonsense.
Genome position (GRCh38, 1-based): chr11:108,250,834, C>T. VCF-style: chr11-108250834-C-T. GRCh37 (hg19) VCF-style: chr11-108121561-C-T.
Other names: c.1369C>T, p.Arg457Ter (NM_001351834.2); short protein forms R457*.
Identifiers: ClinVar variation 219999 (VCV000219999.47), dbSNP rs749036865, ClinGen allele CA349954.

ClinVar aggregate classification (germline): Pathogenic. Review status: criteria provided, multiple submitters, no conflicts (2 of 4 stars). 11 submissions from 11 submitters: Pathogenic (10). 1 of the submissions does not count toward it. Last evaluated 2026-02-03.

Conditions:
Hereditary cancer-predisposing syndrome. Also called: Neoplastic Syndromes, Hereditary; Hereditary neoplastic syndrome; Tumor predisposition; Hereditary Cancer Syndrome. Identifiers: Orphanet 140162, MedGen C0027672, MeSH D009386, MONDO:0015356.
Abnormal central motor function. Identifiers: MedGen C4023354, HP:0011442.
Familial cancer of breast. Also called: hereditary breast carcinoma; Hereditary breast cancer; BREAST CANCER, FAMILIAL. Identifiers: Orphanet 227535, MedGen C0346153, MONDO:0016419, OMIM 114480. Disease mechanism: loss of function.
Ataxia-telangiectasia syndrome (AT). Also called: Ataxia telangiectasia (A-T); Cerebello-oculocutaneous telangiectasia; Immunodeficiency with ataxia telangiectasia; LOUIS-BAR SYNDROME; AT, COMPLEMENTATION GROUP C; ATAXIA-TELANGIECTASIA, FRESNO VARIANT. Identifiers: Orphanet 100, MedGen C0004135, MONDO:0008840, OMIM 208900.

Allele frequency attached by ClinVar (database versions not stated): gnomAD 0.00001; TOPMed 0.00001.
gnomAD v4.1: 9 of 1,613,956 alleles (0.00056%); highest among the groups gnomAD compares: East Asian, 0.0022%; no homozygotes.

Submissions (11):

Labcorp Genetics (formerly Invitae), Labcorp
Classification: Pathogenic for Ataxia-telangiectasia syndrome. Last evaluated: 2026-02-03. Review status: criteria provided, single submitter. Criteria: Invitae Variant Classification Sherloc (09022015). Collection method: clinical testing. Allele origin: germline.
Comment: This sequence change creates a premature translational stop signal (p.Arg457*) in the ATM gene. It is expected to result in an absent or disrupted protein product. Loss-of-function variants in ATM are known to be pathogenic (PMID: 23807571, 25614872). This variant is present in population databases (rs749036865, gnomAD 0.005%). This premature translational stop signal has been observed in individual(s) with ataxia-telangiectasia, breast cancer, and/or pancreatic cancer. (PMID: 17910737, 25428789, 26098866, 31285527). ClinVar contains an entry for this variant (Variation ID: 219999). For these reasons, this variant has been classified as Pathogenic.

Ambry Genetics
Classification: Pathogenic for Hereditary cancer-predisposing syndrome. Last evaluated: 2025-06-17. Review status: criteria provided, single submitter. Criteria: Ambry Variant Classification Scheme 2023. Collection method: clinical testing. Allele origin: germline.
Comment: The p.R457* pathogenic mutation (also known as c.1369C>T), located in coding exon 9 of the ATM gene, results from a C to T substitution at nucleotide position 1369. This changes the amino acid from an arginine to a stop codon within coding exon 9. This alteration has been detected as compound heterozygous in conjunction with a second pathogenic ATM mutation in multiple patients with ataxia telangiectasia (A-T) (Cavalieri S et al. Ann. Hum. Genet. 2008 Jan;72:10-8; Micol R et al. J Allergy Clin Immunol. 2011 Aug;128(2):382-9.e1; Driessen GJ et al. J Allergy Clin Immunol. 2013 May;131(5):1367-75.e9; Hoche F et al. Pediatr. Neurol. 2014 Sep;51:297-310). It has also been detected as heterozygous in patients diagnosed with breast cancer, gastric cancer, and pancreatic cancer (Churpek JE et al. Breast Cancer Res Treat. 2015 Jan;149(1):31-9; Helgason H et al. Nat Genet. 2015 Aug;47(8):906-10; Dudley B et al. Cancer. 2018 Apr 15;124(8):1691-1700). In addition to the clinical data presented in the literature, this alteration is expected to result in loss of function by premature protein truncation or nonsense-mediated mRNA decay. As such, this alteration is interpreted as a disease-causing mutation.

Natera, Inc.
Classification: Pathogenic for Ataxia-telangiectasia. Last evaluated: 2025-03-24. Review status: criteria provided, single submitter. Criteria: Natera Variant Classification Schema (03/2026). Collection method: clinical testing. Allele origin: germline.
Comment: The c.1369C>T variant in ATM is a nonsense variant predicted to introduce a stop codon at amino acid 457. This variant is expected to result in nonsense mediated decay, truncation, or a dysfunctional protein product. This variant is rare in the general population with a frequency below the threshold expected for the associated phenotype(s). This variant has been observed in one or more individuals affected with the associated recessive disease, as either homozygous or compound heterozygous with a second variant (PMID: 17910737, 34477998). Given the available evidence, this variant is classified as Pathogenic.

Baylor Genetics
Classification: Pathogenic for Familial cancer of breast. Last evaluated: 2024-01-17. Review status: criteria provided, single submitter. Criteria: ACMG Guidelines, 2015. Collection method: clinical testing. Allele origin: unknown.

Myriad Genetics, Inc.
Classification: Pathogenic for Familial cancer of breast. Last evaluated: 2024-01-16. Review status: criteria provided, single submitter. Criteria: Myriad Autosomal Dominant, Autosomal Recessive and X-Linked Classification Criteria (2023). Collection method: clinical testing. Allele origin: unknown.
Comment: This variant is considered pathogenic. This variant creates a termination codon and is predicted to result in premature protein truncation.

Institute of Human Genetics, University of Leipzig Medical Center
Classification: Pathogenic for Familial cancer of breast. Last evaluated: 2023-05-05. Review status: criteria provided, single submitter. Criteria: ACMG Guidelines, 2015. Collection method: clinical testing. Allele origin: unknown. Inheritance: Autosomal dominant inheritance. Affected: yes.
Comment: Criteria applied: PVS1,PS4_MOD,PM2_SUP

Women's Health and Genetics/Laboratory Corporation of America, LabCorp
Classification: Pathogenic for Ataxia-telangiectasia syndrome. Last evaluated: 2021-07-26. Review status: criteria provided, single submitter. Criteria: LabCorp Variant Classification Summary - May 2015. Collection method: clinical testing. Allele origin: germline.
Comment: Variant summary: ATM c.1369C>T (p.Arg457X) results in a premature termination codon, predicted to cause a truncation of the encoded protein or absence of the protein due to nonsense mediated decay, which are commonly known mechanisms for disease. Truncations downstream of this position have been classified as pathogenic by our laboratory. The variant allele was found at a frequency of 4e-06 in 251402 control chromosomes. c.1369C>T has been reported in the literature in multiple individuals affected with Ataxia-Telangiectasia (example, Cavalieri_2008, Helgason_2015) and a variety of other tumors such as breast (example, Churpek_2015, Walsh_2021), pancreatic (example, Dudley_2018, Hutchings_2019). Given the increased risk for malignancies that has been reported among carriers of ATM gene mutations, these data indicate that the variant is very likely to be associated with disease. To our knowledge, no experimental evidence demonstrating an impact on protein function has been reported. Six clinical diagnostic laboratories have submitted clinical-significance assessments for this variant to ClinVar after 2014 without evidence for independent evaluation. All laboratories classified the variant as pathogenic. Based on the evidence outlined above, the variant was classified as pathogenic.

Kariminejad - Najmabadi Pathology & Genetics Center
Classification: Pathogenic for Abnormal central motor function. Last evaluated: 2021-07-10. Review status: criteria provided, single submitter. Criteria: ACMG Guidelines, 2015. Collection method: clinical testing. Allele origin: germline. Affected: yes.

Color Diagnostics, LLC DBA Color Health
Classification: Pathogenic for Hereditary cancer-predisposing syndrome. Last evaluated: 2020-01-15. Review status: criteria provided, single submitter. Criteria: ACMG Guidelines, 2015. Collection method: clinical testing. Allele origin: germline.
Comment: This variant changes 1 nucleotide in exon 10 of the ATM gene, creating a premature translation stop signal. This variant is expected to result in an absent or non-functional protein product. This variant has been identified in 3/282772 chromosomes in the general population by the Genome Aggregation Database (gnomAD). Loss of ATM function is a known mechanism of disease. Based on the available evidence, this variant is classified as Pathogenic.

Fulgent Genetics
Classification: Pathogenic for Familial cancer of breast; Ataxia-telangiectasia syndrome. Last evaluated: 2018-10-31. Review status: criteria provided, single submitter. Criteria: ACMG Guidelines, 2015. Collection method: clinical testing. Allele origin: unknown.

Counsyl
Classification: Pathogenic for Ataxia-telangiectasia syndrome. Last evaluated: 2016-09-12. Review status: no assertion criteria provided. Collection method: clinical testing. Allele origin: unknown. Not counted in ClinVar's aggregate classification.

Literature cited by the submitters: PubMed 23807571 (cited by Labcorp Genetics (formerly Invitae), Labcorp); PubMed 25614872 (cited by Labcorp Genetics (formerly Invitae), Labcorp); PubMed 17910737 (cited by 5 submitters); PubMed 25428789 (cited by Labcorp Genetics (formerly Invitae), Labcorp and Women's Health and Genetics/Laboratory Corporation of America, LabCorp); PubMed 26098866 (cited by Labcorp Genetics (formerly Invitae), Labcorp and Women's Health and Genetics/Laboratory Corporation of America, LabCorp); PubMed 31285527 (cited by Labcorp Genetics (formerly Invitae), Labcorp and Women's Health and Genetics/Laboratory Corporation of America, LabCorp); PubMed 25037873 (cited by Ambry Genetics and Counsyl); PubMed 34477998 (cited by Natera, Inc.); PubMed 29360161 (cited by Women's Health and Genetics/Laboratory Corporation of America, LabCorp); PubMed 33479248 (cited by Women's Health and Genetics/Laboratory Corporation of America, LabCorp); PubMed 23566627 (cited by Counsyl); PubMed 21665257 (cited by Counsyl).